The following is an entry in ClinVar:

ClinVar aggregate classification (germline): Likely benign. Review status: criteria provided, multiple submitters, no conflicts (2 of 4 stars). 3 submissions from 3 submitters: Likely benign (3). Last evaluated 2026-02-01.

Conditions:
ERCC6-related disorder. Also called: ERCC6-related condition; ERCC6-related disorders. Identifiers: MedGen CN239385.
Inborn genetic diseases. Identifiers: MedGen C0950123, MeSH D030342.

gnomAD v4.1: 125 of 1,614,030 alleles (0.0077%); highest among the groups gnomAD compares: South Asian, 0.11%; no homozygotes.

Submissions (3):

Labcorp Genetics (formerly Invitae), Labcorp
Classification: Likely benign. Last evaluated: 2026-02-01. Review status: criteria provided, single submitter. Criteria: Invitae Variant Classification Sherloc (09022015). Collection method: clinical testing. Allele origin: germline.

Ambry Genetics
Classification: Likely benign for Inborn genetic diseases. Last evaluated: 2025-08-05. Review status: criteria provided, single submitter. Criteria: Ambry Variant Classification Scheme 2023. Collection method: clinical testing. Allele origin: germline.

PreventionGenetics, part of Exact Sciences
Classification: Likely benign for ERCC6-related condition. Last evaluated: 2025-01-06. Review status: criteria provided, single submitter. Criteria: ACMG Guidelines, 2015. Collection method: clinical testing. Allele origin: germline.
Comment: This variant is classified as likely benign based on ACMG/AMP sequence variant interpretation guidelines (Richards et al. 2015 PMID: 25741868, with internal and published modifications).

NM_000124.4(ERCC6):c.3908G>A (p.Arg1303Gln)

Gene: ERCC6 (ERCC excision repair 6, chromatin remodeling factor; minus strand). Cytogenetic location: 10q11.23.
Variant type: single nucleotide variant.
Coding change: c.3908G>A on transcript NM_000124.4 (MANE Select); coding-DNA position 3908, G replaced by A.
Protein change: p.Arg1303Gln; replaces arginine 1303 with glutamine.
Molecular consequence: missense variant.
Genome position (GRCh38, 1-based): chr10:49,461,427, C>T on the plus strand (G>A on the coding strand, the complement: ERCC6 is on the minus strand). VCF-style: chr10-49461427-C-T. GRCh37 (hg19) VCF-style: chr10-50669473-C-T.
Other names: c.3908G>A (NM_000124.3); c.3908G>A, p.Arg1303Gln (NM_001346440.2); short protein forms R1303Q.
Identifiers: ClinVar variation 2049267 (VCV002049267.6), dbSNP rs767621835, ClinGen allele CA5495234.